The following is an entry in ClinVar:

ClinVar aggregate classification (germline): Uncertain significance. Review status: criteria provided, multiple submitters, no conflicts (2 of 4 stars). 2 submissions from 2 submitters: Uncertain significance (2). Last evaluated 2026-02-23.

Conditions:
WNT3A-related disorder. Also called: WNT3A-related condition.

Allele frequency attached by ClinVar (database versions not stated): gnomAD exomes 0.00005; ExAC 0.00006; ESP Exome Variant Server 0.00008; gnomAD 0.00008; TOPMed 0.00010.

Submissions (2):

PreventionGenetics, part of Exact Sciences
Classification: Uncertain significance for WNT3A-related condition. Last evaluated: 2026-02-23. Review status: criteria provided, single submitter. Criteria: ACMG Guidelines, 2015. Collection method: clinical testing. Allele origin: germline.
Comment: The WNT3A c.377G>A variant is predicted to result in the amino acid substitution p.Arg126His. This variant was reported in an individual with osteoporosis, who also carried a variant in LRP5 gene (Caetano da Silva et al. 2021. PubMed ID: 33939331). This variant is reported in 0.028% of alleles in individuals of Latino descent in gnomAD. At this time, the clinical significance of this variant is uncertain due to the absence of conclusive functional and genetic evidence.

Labcorp Genetics (formerly Invitae), Labcorp
Classification: Uncertain significance. Last evaluated: 2025-11-13. Review status: criteria provided, single submitter. Criteria: Invitae Variant Classification Sherloc (09022015). Collection method: clinical testing. Allele origin: germline.
Comment: This sequence change replaces arginine, which is basic and polar, with histidine, which is basic and polar, at codon 126 of the WNT3A protein (p.Arg126His). This variant is present in population databases (rs370854032, gnomAD 0.03%). This missense change has been observed in individual(s) with idiopathic osteoporosis (PMID: 33939331). ClinVar contains an entry for this variant (Variation ID: 2715823). Invitae Evidence Modeling of protein sequence and biophysical properties (such as structural, functional, and spatial information, amino acid conservation, physicochemical variation, residue mobility, and thermodynamic stability) indicates that this missense variant is not expected to disrupt WNT3A protein function with a negative predictive value of 80%. In summary, the available evidence is currently insufficient to determine the role of this variant in disease. Therefore, it has been classified as a Variant of Uncertain Significance.

Literature cited by the submitters: PubMed 33939331 (cited by Labcorp Genetics (formerly Invitae), Labcorp).

NM_033131.4(WNT3A):c.377G>A (p.Arg126His)

Gene: WNT3A (Wnt family member 3A; plus strand). Cytogenetic location: 1q42.13.
Variant type: single nucleotide variant.
Coding change: c.377G>A on transcript NM_033131.4 (MANE Select); coding-DNA position 377, G replaced by A.
Protein change: p.Arg126His; replaces arginine 126 with histidine.
Molecular consequence: missense variant.
Genome position (GRCh38, 1-based): chr1:228,050,719, G>A. VCF-style: chr1-228050719-G-A. GRCh37 (hg19) VCF-style: chr1-228238420-G-A.
Other names: c.377G>A (NM_033131.3); short protein forms R126H.
Identifiers: ClinVar variation 2715823 (VCV002715823.4), dbSNP rs370854032, ClinGen allele CA1429447.
Genomic context (GRCh38, chr1:228,050,719, plus strand): 5'-CCAGGGAGTCGGCCTTTGTCCACGCCATTGCCTCAGCCGGTGTGGCCTTTGCAGTGACAC[G>A]CTCATGTGCAGAAGGCACGGCCGCCATCTGTGGCTGCAGCAGCCGCCACCAGGGCTCACC-3'
Protein context (NP_149122.1, residues 116-136): ASAGVAFAVT[Arg126His]SCAEGTAAIC